The following is an entry in ClinVar:

ClinVar aggregate classification (germline): Likely benign (1 of 4 stars; one submission).

Submission:

CeGaT Center for Human Genetics Tuebingen
Classification: Likely benign. Last evaluated: 2025-09-01. Review status: criteria provided, single submitter. Criteria: CeGaT Center For Human Genetics Tuebingen Variant Classification Criteria Version 2. Collection method: clinical testing. Allele origin: germline. Affected: yes. Observed: 1 variant allele.
Comment: CAPN15: BP4, BP7

NM_005632.3(CAPN15):c.954C>T (p.Gly318=)

Gene: CAPN15 (calpain 15; plus strand). Cytogenetic location: 16p13.3.
Variant type: single nucleotide variant.
Coding change: c.954C>T on transcript NM_005632.3 (MANE Select); coding-DNA position 954, C replaced by T.
Protein change: p.Gly318=; no amino-acid change (glycine 318 retained).
Molecular consequence: synonymous variant.
Genome position (GRCh38, 1-based): chr16:547,792, C>T. VCF-style: chr16-547792-C-T. GRCh37 (hg19) VCF-style: chr16-597792-C-T.
Identifiers: ClinVar variation 4281173 (VCV004281173.7).
Genomic context (GRCh38, chr16:547,792, plus strand): 5'-GGAGGAAGAGGCCACGGAGGGTGGCACCAGCCGCGTAGAGGCCGGCAGCTCCACCTCGGG[C>T]AGTGACATCATTGACCTGGCCGGAGACACCGTGCGTTACACGCCCGCCAGCCCCTCCAGC-3'
Protein context (NP_005623.1, residues 308-328): SRVEAGSSTS[Gly318=]SDIIDLAGDT